The following is an entry in ClinVar:

ClinVar aggregate classification (germline): Uncertain significance (1 of 4 stars; one submission).

Conditions:
Hereditary cancer-predisposing syndrome. Also called: Neoplastic Syndromes, Hereditary; Tumor predisposition; Hereditary Cancer Syndrome; Hereditary neoplastic syndrome. Identifiers: Orphanet 140162, MedGen C0027672, MeSH D009386, MONDO:0015356.

Submission:

Ambry Genetics
Classification: Uncertain significance for Hereditary cancer-predisposing syndrome. Last evaluated: 2025-11-11. Review status: criteria provided, single submitter. Criteria: Ambry Variant Classification Scheme 2023. Collection method: clinical testing. Allele origin: germline.
Comment: The p.S985A variant (also known as c.2953T>G), located in coding exon 15 of the APC gene, results from a T to G substitution at nucleotide position 2953. The serine at codon 985 is replaced by alanine, an amino acid with similar properties. This amino acid position is conserved. In addition, in silico predictors for this gene do not accurately predict pathogenicity. Based on the available evidence, the clinical significance of this variant remains unclear.

NM_000038.6(APC):c.2953T>G (p.Ser985Ala)

Gene: APC (APC regulator of Wnt signaling pathway; plus strand). Cytogenetic location: 5q22.2.
Variant type: single nucleotide variant.
Coding change: c.2953T>G on transcript NM_000038.6 (MANE Select); coding-DNA position 2953, T replaced by G.
Protein change: p.Ser985Ala; replaces serine 985 with alanine.
Molecular consequence: missense variant. On other transcripts: non-coding transcript variant (2).
Genome position (GRCh38, 1-based): chr5:112,838,547, T>G. VCF-style: chr5-112838547-T-G. GRCh37 (hg19) VCF-style: chr5-112174244-T-G.
Other names: c.2953T>G, p.Ser985Ala (NM_001127510.3, NM_001354895.2, NM_001407450.1); c.2899T>G, p.Ser967Ala (NM_001127511.3); c.3007T>G, p.Ser1003Ala (NM_001354896.2, NM_001407447.1, NM_001407448.1 and 1 more transcripts); c.2983T>G, p.Ser995Ala (NM_001354897.2); c.2878T>G, p.Ser960Ala (NM_001354898.2); c.2869T>G, p.Ser957Ala (NM_001354899.2); c.2830T>G, p.Ser944Ala (NM_001354900.2); c.2776T>G, p.Ser926Ala (NM_001354901.2, NM_001407453.1); and 11 more; short protein forms S702A, S856A, S960A, S985A, S1013A, S884A, S926A, S944A.
Identifiers: ClinVar variation 4589477 (VCV004589477.1).
Genomic context (GRCh38, chr5:112,838,547, plus strand): 5'-AATAGTGTCAGTAGTAGTGATGGTTATGGTAAAAGAGGTCAAATGAAACCCTCGATTGAA[T>G]CCTATTCTGAAGATGATGAAAGTAAGTTTTGCAGTTATGGTCAATACCCAGCCGACCTAG-3'
Protein context (NP_000029.2, residues 975-995): KRGQMKPSIE[Ser985Ala]YSEDDESKFC